The following is an entry in ClinVar:

NM_001046.3(SLC12A2):c.309_320dup (p.Ala107_Gly108insAlaAlaAlaAla)

Genes: SLC12A2 (solute carrier family 12 member 2; plus strand), LOC129994526 (ATAC-STARR-seq lymphoblastoid silent region 16295; plus strand). Cytogenetic location: 5q23.3.
Variant type: Duplication.
Coding change: c.309_320dup on transcript NM_001046.3 (MANE Select); coding-DNA positions 309 to 320, 12 bases duplicated (AGCGGCGGCGGC).
Protein change: p.Ala107_Gly108insAlaAlaAlaAla.
Molecular consequence: inframe insertion. On other transcripts: non-coding transcript variant (1).
Genome position (GRCh38, 1-based): chr5:128,084,263-128,084,274, AGCGGCGGCGGC duplicated; duplicating any 12 consecutive bases within chr5:128,084,252-128,084,274 gives the same sequence; the c. name uses the placement nearest the transcript's 3' end. VCF-style (leftmost placement, unchanged base first): chr5-128084251-G-GGCGGCGGCGGCA. GRCh37 (hg19) VCF-style: chr5-127419943-G-GGCGGCGGCGGCA.
Other names: c.309_320dup, p.Ala107_Gly108insAlaAlaAlaAla (NM_001256461.2); c.309_320dup12 (NM_001046.2).
Identifiers: ClinVar variation 2069981 (VCV002069981.5), dbSNP rs769579851, ClinGen allele CA446491548.

ClinVar aggregate classification (germline): Uncertain significance. Review status: criteria provided, multiple submitters, no conflicts (2 of 4 stars). 2 submissions from 2 submitters: Uncertain significance (2). Last evaluated 2025-09-20.

Conditions:
SLC12A2-related disorder. Also called: SLC12A2-related disorders; SLC12A2-related condition.

Submissions (2):

Labcorp Genetics (formerly Invitae), Labcorp
Classification: Uncertain significance. Last evaluated: 2025-09-20. Review status: criteria provided, single submitter. Criteria: Invitae Variant Classification Sherloc (09022015). Collection method: clinical testing. Allele origin: germline.
Comment: This variant, c.309_320dup, results in the insertion of 4 amino acid(s) of the SLC12A2 protein (p.Ala104_Ala107dup), but otherwise preserves the integrity of the reading frame. The frequency data for this variant in the population databases is considered unreliable, as metrics indicate poor data quality at this position in the gnomAD database. This variant has not been reported in the literature in individuals affected with SLC12A2-related conditions. ClinVar contains an entry for this variant (Variation ID: 2069981). In summary, the available evidence is currently insufficient to determine the role of this variant in disease. Therefore, it has been classified as a Variant of Uncertain Significance.

PreventionGenetics, part of Exact Sciences
Classification: Uncertain significance for SLC12A2-related condition. Last evaluated: 2025-09-04. Review status: criteria provided, single submitter. Criteria: ACMG Guidelines, 2015. Collection method: clinical testing. Allele origin: germline.
Comment: The SLC12A2 c.309_320dup12 variant is predicted to result in an in-frame duplication (p.Ala104_Ala107dup). To our knowledge, this variant has not been reported in the literature. This variant is reported in 0.024% of alleles in individuals of African descent in gnomAD. At this time, the clinical significance of this variant is uncertain due to the absence of conclusive functional and genetic evidence.